The following is an entry in ClinVar:

NM_004830.4(MED23):c.2976A>C (p.Gly992=)

Gene: MED23 (mediator complex subunit 23; minus strand). Cytogenetic location: 6q23.2.
Variant type: single nucleotide variant.
Coding change: c.2976A>C on transcript NM_004830.4 (MANE Select); coding-DNA position 2976, A replaced by C.
Protein change: p.Gly992=; no amino-acid change (glycine 992 retained).
Molecular consequence: synonymous variant.
Genome position (GRCh38, 1-based): chr6:131,595,966, T>G on the plus strand (A>C on the coding strand, the complement: MED23 is on the minus strand). VCF-style: chr6-131595966-T-G. GRCh37 (hg19) VCF-style: chr6-131917106-T-G.
Other names: c.2976A>C, p.Gly992= (NM_001270522.2, NM_001270521.2); c.2994A>C, p.Gly998= (NM_001376517.1, NM_015979.4); c.2922A>C, p.Gly974= (NM_001376518.1); c.2838A>C, p.Gly946= (NM_001376519.1, NM_001376521.1); c.2835A>C, p.Gly945= (NM_001376520.1); c.2805A>C, p.Gly935= (NM_001376522.1); c.2721A>C, p.Gly907= (NM_001376523.1); c.2589A>C, p.Gly863= (NM_001376524.1).
Identifiers: ClinVar variation 2656911 (VCV002656911.24), dbSNP rs55809309, ClinGen allele CA3999724.

ClinVar aggregate classification (germline): Likely benign (1 of 4 stars; one submission).

Allele frequency attached by ClinVar (database versions not stated): ExAC 0.00008; gnomAD exomes 0.00009; TOPMed 0.00011; 1000 Genomes Project 0.00060; 1000 Genomes Project 30x 0.00078.
gnomAD v4.1: 145 of 1,613,810 alleles (0.009%); highest among the groups gnomAD compares: Admixed American, 0.025%; no homozygotes.

Submission:

CeGaT Center for Human Genetics Tuebingen
Classification: Likely benign. Last evaluated: 2022-07-01. Review status: criteria provided, single submitter. Criteria: CeGaT Center For Human Genetics Tuebingen Variant Classification Criteria Version 2. Collection method: clinical testing. Allele origin: germline. Affected: yes. Observed: 1 variant allele.
Comment: MED23: BP4, BP7